The following is an entry in ClinVar:

NM_004380.3(CREBBP):c.668G>C (p.Gly223Ala)

Gene: CREBBP (CREB binding lysine acetyltransferase; minus strand). Cytogenetic location: 16p13.3.
Variant type: single nucleotide variant.
Coding change: c.668G>C on transcript NM_004380.3 (MANE Select); coding-DNA position 668, G replaced by C.
Protein change: p.Gly223Ala; replaces glycine 223 with alanine.
Molecular consequence: missense variant.
Genome position (GRCh38, 1-based): chr16:3,850,427, C>G on the plus strand (G>C on the coding strand, the complement: CREBBP is on the minus strand). VCF-style: chr16-3850427-C-G. GRCh37 (hg19) VCF-style: chr16-3900428-C-G.
Other names: c.668G>C, p.Gly223Ala (NM_001079846.1); short protein forms G223A.
Identifiers: ClinVar variation 930619 (VCV000930619.3), dbSNP rs2054806972, ClinGen allele CA394559651.

ClinVar aggregate classification (germline): Uncertain significance (1 of 4 stars; one submission).

Conditions:
Rubinstein-Taybi syndrome due to CREBBP mutations (RSTS1). Also called: RUBINSTEIN-TAYBI SYNDROME 1, INCOMPLETE; Rubinstein-Taybi syndrome 1; RUBINSTEIN SYNDROME; BROAD THUMBS AND GREAT TOES, CHARACTERISTIC FACIES, AND IMPAIRED INTELLECTUAL DEVELOPMENT; BROAD THUMB-HALLUX SYNDROME; CREBBP-Related Rubinstein-Taybi Syndrome. Identifiers: Orphanet 353277, Orphanet 783, MedGen C4551859, MONDO:0008393, OMIM 180849.

Submission:

Centre for Mendelian Genomics, University Medical Centre Ljubljana
Classification: Uncertain significance for Rubinstein-Taybi syndrome due to CREBBP mutations. Last evaluated: 2019-05-17. Review status: criteria provided, single submitter. Criteria: ACMG Guidelines, 2015. Collection method: clinical testing. Allele origin: unknown. Affected: yes.
Comment: This variant was classified as: Uncertain significance. The available evidence on this variant's pathogenicity is insufficient or conflicting. The following ACMG criteria were applied in classifying this variant: PP2.